The following is an entry in ClinVar:

ClinVar aggregate classification (germline): Uncertain significance. Review status: criteria provided, multiple submitters, no conflicts (2 of 4 stars). 2 submissions from 2 submitters: Uncertain significance (2). Last evaluated 2023-05-23.

Conditions:
Amelocerebrohypohidrotic syndrome (KTZS). Also called: EPILEPSY AND YELLOW TEETH; EPILEPSY, DEMENTIA, AND AMELOGENESIS IMPERFECTA; KOHLSCHUTTER SYNDROME; Kohlschutter's syndrome. Identifiers: Orphanet 1946, MedGen C0406740, MONDO:0009185, OMIM 226750.

Allele frequency attached by ClinVar (database versions not stated): gnomAD exomes 0.00001.
gnomAD v4.1: 6 of 1,483,132 alleles (0.0004%); highest among the groups gnomAD compares: Middle Eastern, 0.019%; no homozygotes.

Submissions (2):

GeneDx
Classification: Uncertain significance. Last evaluated: 2023-05-23. Review status: criteria provided, single submitter. Criteria: GeneDx Variant Classification Process June 2021. Collection method: clinical testing. Allele origin: germline. Affected: yes.
Comment: Not observed at significant frequency in large population cohorts (gnomAD); In silico analysis supports that this missense variant has a deleterious effect on protein structure/function; Has not been previously published as pathogenic or benign to our knowledge

Labcorp Genetics (formerly Invitae), Labcorp
Classification: Uncertain significance for Amelocerebrohypohidrotic syndrome. Last evaluated: 2022-08-09. Review status: criteria provided, single submitter. Criteria: Invitae Variant Classification Sherloc (09022015). Collection method: clinical testing. Allele origin: germline.
Comment: ClinVar contains an entry for this variant (Variation ID: 1001395). In summary, the available evidence is currently insufficient to determine the role of this variant in disease. Therefore, it has been classified as a Variant of Uncertain Significance. Algorithms developed to predict the effect of missense changes on protein structure and function are either unavailable or do not agree on the potential impact of this missense change (SIFT: "Deleterious"; PolyPhen-2: "Probably Damaging"; Align-GVGD: "Class C0"). This variant has not been reported in the literature in individuals affected with ROGDI-related conditions. The frequency data for this variant in the population databases is considered unreliable, as metrics indicate poor data quality at this position in the gnomAD database. This sequence change replaces leucine, which is neutral and non-polar, with proline, which is neutral and non-polar, at codon 23 of the ROGDI protein (p.Leu23Pro).

NM_024589.3(ROGDI):c.68T>C (p.Leu23Pro)

Gene: ROGDI (rogdi atypical leucine zipper; minus strand). Cytogenetic location: 16p13.3.
Variant type: single nucleotide variant.
Coding change: c.68T>C on transcript NM_024589.3 (MANE Select); coding-DNA position 68, T replaced by C.
Protein change: p.Leu23Pro; replaces leucine 23 with proline.
Molecular consequence: missense variant. On other transcripts: non-coding transcript variant (1).
Genome position (GRCh38, 1-based): chr16:4,802,431, A>G on the plus strand (T>C on the coding strand, the complement: ROGDI is on the minus strand). VCF-style: chr16-4802431-A-G. GRCh37 (hg19) VCF-style: chr16-4852432-A-G.
Other names: c.68T>C (NM_024589.2); short protein forms L23P.
Identifiers: ClinVar variation 1001395 (VCV001001395.7), dbSNP rs1334307149, ClinGen allele CA394656626.
Genomic context (GRCh38, chr16:4,802,431, plus strand): 5'-CGGGTCGTTACCTTGAGGATGTCCTGCAGCTGCTTCAACACAGCGTGCACCTCGTCGTGC[A>G]GCAGCCAGCGGAACTCCTCCTCCTGCGGGACAGACCCGGCGGTCGCGCCCGGCCCCGCCG-3'
Protein context (NP_078865.1, residues 13-33): AVLEEEFRWL[Leu23Pro]HDEVHAVLKQ